The following is an entry in ClinVar:

ClinVar aggregate classification (germline): Uncertain significance (1 of 4 stars; one submission).

Conditions:
Tuberous sclerosis 2 (TSC2). Identifiers: Orphanet 805, MedGen C1860707, MONDO:0013199, OMIM 613254.

Submission:

Labcorp Genetics (formerly Invitae), Labcorp
Classification: Uncertain significance for Tuberous sclerosis 2. Last evaluated: 2020-11-14. Review status: criteria provided, single submitter. Criteria: Invitae Variant Classification Sherloc (09022015). Collection method: clinical testing. Allele origin: unknown.
Comment: In summary, the available evidence is currently insufficient to determine the role of this variant in disease. Therefore, it has been classified as a Variant of Uncertain Significance. Experimental studies and prediction algorithms are not available or were not evaluated, and the functional significance of this variant is currently unknown. This variant has not been reported in the literature in individuals with TSC2-related conditions. This variant results in a copy number gain of the genomic region encompassing exon 3 of the TSC2 gene. While the exact position of this variant cannot be determined from this data, sub-genic copy number gains are generally in tandem (PMID: 25640679). This variant would be expected to be in-frame, preserving the integrity of the reading frame.

Literature cited by the submitters: PubMed 25640679.

NC_000016.9:g.(?_2100391)_(2100497_?)dup

Gene: TSC2 (TSC complex subunit 2; plus strand). Cytogenetic location: 16p13.3.
Variant type: Duplication.
Identifiers: ClinVar variation 3243461 (VCV003243461.1).